The following is an entry in ClinVar:

ClinVar aggregate classification (germline): Uncertain significance (1 of 4 stars; one submission).

Submission:

Labcorp Genetics (formerly Invitae), Labcorp
Classification: Uncertain significance. Last evaluated: 2019-09-23. Review status: criteria provided, single submitter. Criteria: Invitae Variant Classification Sherloc (09022015). Collection method: clinical testing. Allele origin: germline.
Comment: This variant has not been reported in the literature in individuals with SMARCB1-related conditions. This variant is not present in population databases (ExAC no frequency). This sequence change replaces aspartic acid with asparagine at codon 277 of the SMARCB1 protein (p.Asp277Asn). The aspartic acid residue is highly conserved and there is a small physicochemical difference between aspartic acid and asparagine. Algorithms developed to predict the effect of missense changes on protein structure and function are either unavailable or do not agree on the potential impact of this missense change (SIFT: "Deleterious"; PolyPhen-2: "Probably Damaging"; Align-GVGD: "Class C15"). In summary, the available evidence is currently insufficient to determine the role of this variant in disease. Therefore, it has been classified as a Variant of Uncertain Significance.

NM_003073.5(SMARCB1):c.829G>A (p.Asp277Asn)

Gene: SMARCB1 (SWI/SNF related BAF chromatin remodeling complex subunit B1; plus strand). Cytogenetic location: 22q11.23.
Variant type: single nucleotide variant.
Coding change: c.829G>A on transcript NM_003073.5 (MANE Select); coding-DNA position 829, G replaced by A.
Protein change: p.Asp277Asn; replaces aspartic acid 277 with asparagine.
Molecular consequence: missense variant.
Genome position (GRCh38, 1-based): chr22:23,825,258, G>A. VCF-style: chr22-23825258-G-A. GRCh37 (hg19) VCF-style: chr22-24167445-G-A.
Other names: c.802G>A, p.Asp268Asn (NM_001007468.3); c.856G>A, p.Asp286Asn (NM_001317946.2); c.883G>A, p.Asp295Asn (NM_001362877.2); short protein forms D295N, D277N, D286N, D268N.
Identifiers: ClinVar variation 942219 (VCV000942219.9), dbSNP rs2030319772, ClinGen allele CA410906892.